The following is an entry in ClinVar:

NM_020822.3(KCNT1):c.3318_3320dup (p.Arg1107_Lys1108insArg)

Gene: KCNT1 (potassium sodium-activated channel subfamily T member 1; plus strand). Cytogenetic location: 9q34.3.
Variant type: Duplication.
Coding change: c.3318_3320dup on transcript NM_020822.3 (MANE Select); coding-DNA positions 3318 to 3320, 3 bases duplicated (GCG; older notation c.3318_3320dupGCG).
Protein change: p.Arg1107_Lys1108insArg.
Molecular consequence: inframe insertion.
Genome position (GRCh38, 1-based): chr9:135,786,337-135,786,339, GCG duplicated; duplicating any 3 consecutive bases within chr9:135,786,335-135,786,339 gives the same sequence; the c. name uses the placement nearest the transcript's 3' end. VCF-style (leftmost placement, unchanged base first): chr9-135786334-A-ACGG. GRCh37 (hg19) VCF-style: chr9-138678180-A-ACGG.
Other names: c.3183_3185dup, p.Arg1062_Lys1063insArg (NM_001272003.2).
Identifiers: ClinVar variation 2105460 (VCV002105460.4), dbSNP rs2491105787, ClinGen allele CA2580080086.

ClinVar aggregate classification (germline): Uncertain significance (1 of 4 stars; one submission).

Conditions:
Autosomal dominant nocturnal frontal lobe epilepsy 5. Also called: CILIARY DYSKINESIA, PRIMARY, 28, WITHOUT SITUS INVERSUS; CILIARY DYSKINESIA, PRIMARY, 28, WITH SITUS INVERSUS; Epilepsy, nocturnal frontal lobe, 5; KCNT1-Related Epilepsy. Identifiers: Orphanet 98784, MedGen C3554306, MONDO:0014002, OMIM 615005.
Developmental and epileptic encephalopathy, 14 (DEE14). Also called: Early infantile epileptic encephalopathy 14. Identifiers: Orphanet 293181, MedGen C3554195, MONDO:0013989, OMIM 614959.

Submission:

Labcorp Genetics (formerly Invitae), Labcorp
Classification: Uncertain significance for Autosomal dominant nocturnal frontal lobe epilepsy 5; Developmental and epileptic encephalopathy, 14. Last evaluated: 2022-03-08. Review status: criteria provided, single submitter. Criteria: Invitae Variant Classification Sherloc (09022015). Collection method: clinical testing. Allele origin: germline.
Comment: This variant has not been reported in the literature in individuals affected with KCNT1-related conditions. This variant is not present in population databases (gnomAD no frequency). This variant, c.3318_3320dup, results in the insertion of 1 amino acid(s) of the KCNT1 protein (p.Arg1107dup), but otherwise preserves the integrity of the reading frame. In summary, the available evidence is currently insufficient to determine the role of this variant in disease. Therefore, it has been classified as a Variant of Uncertain Significance.